The following is an entry in ClinVar:

ClinVar aggregate classification (germline): Uncertain significance (1 of 4 stars; one submission).

Submission:

Labcorp Genetics (formerly Invitae), Labcorp
Classification: Uncertain significance. Last evaluated: 2022-05-08. Review status: criteria provided, single submitter. Criteria: Invitae Variant Classification Sherloc (09022015). Collection method: clinical testing. Allele origin: germline.
Comment: This sequence change replaces serine, which is neutral and polar, with lysine, which is basic and polar, at codon 5 of the SLC45A2 protein (p.Ser5Lys). This variant is present in population databases (no rsID available, gnomAD 0.4%). This variant has not been reported in the literature in individuals affected with SLC45A2-related conditions. Algorithms developed to predict the effect of missense changes on protein structure and function are either unavailable or do not agree on the potential impact of this missense change (SIFT: "Not Available"; PolyPhen-2: "Benign"; Align-GVGD: "Not Available"). In summary, the available evidence is currently insufficient to determine the role of this variant in disease. Therefore, it has been classified as a Variant of Uncertain Significance.

NM_016180.5(SLC45A2):c.14_15delinsAA (p.Ser5Lys)

Gene: SLC45A2 (solute carrier family 45 member 2; minus strand). Cytogenetic location: 5p13.2.
Variant type: Indel.
Coding change: c.14_15delinsAA on transcript NM_016180.5 (MANE Select); coding-DNA positions 14 to 15, GT replaced by AA.
Protein change: p.Ser5Lys; replaces serine 5 with lysine.
Molecular consequence: missense variant.
Genome position (GRCh38, 1-based): chr5:33,984,569-33,984,570, AC replaced by TT on the plus strand (GT replaced by AA on the coding strand, the reverse complement: SLC45A2 is on the minus strand). VCF-style: chr5-33984569-AC-TT. GRCh37 (hg19) VCF-style: chr5-33984674-AC-TT.
Other names: c.14_15delinsAA, p.Ser5Lys (NM_001012509.4, NM_001297417.4); short protein forms S5K.
Identifiers: ClinVar variation 1901065 (VCV001901065.2), dbSNP rs2478925932, ClinGen allele CA2580073180.